The following is an entry in ClinVar:

NM_003280.3(TNNC1):c.155C>G (p.Pro52Arg)

Gene: TNNC1 (troponin C1, slow skeletal and cardiac type; minus strand). Cytogenetic location: 3p21.1.
Variant type: single nucleotide variant.
Coding change: c.155C>G on transcript NM_003280.3 (MANE Select); coding-DNA position 155, C replaced by G.
Protein change: p.Pro52Arg; replaces proline 52 with arginine.
Molecular consequence: missense variant.
Genome position (GRCh38, 1-based): chr3:52,452,153, G>C on the plus strand (C>G on the coding strand, the complement: TNNC1 is on the minus strand). VCF-style: chr3-52452153-G-C. GRCh37 (hg19) VCF-style: chr3-52486169-G-C.
Other names: c.155C>G (LRG_378t1); short protein forms P52R.
Identifiers: ClinVar variation 181572 (VCV000181572.15), dbSNP rs730881065, ClinGen allele CA297343.

ClinVar aggregate classification (germline): Conflicting classifications of pathogenicity. Review status: criteria provided, conflicting classifications (1 of 4 stars). 4 submissions from 4 submitters: Likely pathogenic (1); Uncertain significance (3). Last evaluated 2024-08-14.

Conditions:
Cardiovascular phenotype. Identifiers: MedGen CN230736.
Dilated cardiomyopathy 1Z (CMD1Z). Identifiers: Orphanet 154, MedGen C2678475, MONDO:0012745, OMIM 611879.
Hypertrophic cardiomyopathy 13. Also called: TNNC1-Related Familial Hypertrophic Cardiomyopathy. Identifiers: MedGen C2750472, MONDO:0013195, OMIM 613243.

Submissions (4):

Labcorp Genetics (formerly Invitae), Labcorp
Classification: Likely pathogenic for Hypertrophic cardiomyopathy 13; Dilated cardiomyopathy 1Z. Last evaluated: 2024-08-14. Review status: criteria provided, single submitter. Criteria: Invitae Variant Classification Sherloc (09022015). Collection method: clinical testing. Allele origin: germline.
Comment: This sequence change replaces proline, which is neutral and non-polar, with arginine, which is basic and polar, at codon 52 of the TNNC1 protein (p.Pro52Arg). This variant is not present in population databases (gnomAD no frequency). This missense change has been observed in individuals with hypertrophic cardiomyopathy (Invitae). It has also been observed to segregate with disease in related individuals. ClinVar contains an entry for this variant (Variation ID: 181572). An algorithm developed to predict the effect of missense changes on protein structure and function (PolyPhen-2) suggests that this variant is likely to be disruptive. In summary, the currently available evidence indicates that the variant is pathogenic, but additional data are needed to prove that conclusively. Therefore, this variant has been classified as Likely Pathogenic.

Ambry Genetics
Classification: Uncertain significance for Cardiovascular phenotype. Last evaluated: 2022-04-07. Review status: criteria provided, single submitter. Criteria: Ambry Variant Classification Scheme 2023. Collection method: clinical testing. Allele origin: germline.
Comment: The p.P52R variant (also known as c.155C>G), located in coding exon 3 of the TNNC1 gene, results from a C to G substitution at nucleotide position 155. The proline at codon 52 is replaced by arginine, an amino acid with dissimilar properties. This amino acid position is highly conserved in available vertebrate species. In addition, this alteration is predicted to be deleterious by in silico analysis. Since supporting evidence is limited at this time, the clinical significance of this alteration remains unclear.

Mayo Clinic Laboratories, Mayo Clinic
Classification: Uncertain significance. Last evaluated: 2019-09-23. Review status: criteria provided, single submitter. Criteria: ACMG Guidelines, 2015. Collection method: clinical testing. Allele origin: germline. Observed: 1 variant allele.

Women's Health and Genetics/Laboratory Corporation of America, LabCorp
Classification: Uncertain significance. Last evaluated: 2017-06-12. Review status: criteria provided, single submitter. Criteria: LabCorp Variant Classification Summary - May 2015. Collection method: clinical testing. Allele origin: germline.
Comment: Variant summary: The TNNC1 c.155C>G (p.Pro52Arg) variant involves the alteration of a conserved nucleotide, resulting in a missense substitution that lies within the EF-hand domain (InterPro). 4/4 in silico tools predict a damaging outcome for this variant (SNPsandGO not captured due to low reliability index). This variant is absent from the large control database ExAC (0/121120 control chromosomes). To our knowledge, the variant of interest has not been reported in affected individuals via publications and/or reputable databases/clinical diagnostic laboratories, nor has it been evaluated for functional impact by in vivo/vitro studies. Because of the absence of clinical information and the lack of functional studies, the variant is classified as a variant of uncertain significance (VUS) until additional information becomes available.